The following is an entry in ClinVar:

NM_022437.3(ABCG8):c.1265C>T (p.Ala422Val)

Gene: ABCG8 (ATP binding cassette subfamily G member 8; plus strand). Cytogenetic location: 2p21.
Variant type: single nucleotide variant.
Coding change: c.1265C>T on transcript NM_022437.3 (MANE Select); coding-DNA position 1265, C replaced by T.
Protein change: p.Ala422Val; replaces alanine 422 with valine.
Molecular consequence: missense variant.
Genome position (GRCh38, 1-based): chr2:43,873,840, C>T. VCF-style: chr2-43873840-C-T. GRCh37 (hg19) VCF-style: chr2-44100979-C-T.
Other names: c.1262C>T, p.Ala421Val (NM_001357321.2); short protein forms A421V, A422V.
Identifiers: ClinVar variation 1704997 (VCV001704997.2), dbSNP rs759147053, ClinGen allele CA1637382.
Genomic context (GRCh38, chr2:43,873,840, plus strand): 5'-TTTTAAGTCGTCAGATTTCCAACGACTTCCGAGACCTGCCCACCCTCCTCATCCATGGGG[C>T]GGAGGCCTGTCTGATGTCAATGACCATCGGCTTCCTCTATTTTGGCCATGGGAGCATCCA-3'
Protein context (NP_071882.1, residues 412-432): RDLPTLLIHG[Ala422Val]EACLMSMTIG

ClinVar aggregate classification (germline): Uncertain significance (1 of 4 stars; one submission).

Allele frequency attached by ClinVar (database versions not stated): gnomAD 0.00003; TOPMed 0.00004; ExAC 0.00006.
gnomAD v4.1: 38 of 1,614,004 alleles (0.0024%); highest among the groups gnomAD compares: Admixed American, 0.012%; no homozygotes.

Submission:

GeneDx
Classification: Uncertain significance. Last evaluated: 2022-03-08. Review status: criteria provided, single submitter. Criteria: GeneDx Variant Classification Process June 2021. Collection method: clinical testing. Allele origin: germline. Affected: yes.
Comment: Not observed at significant frequency in large population cohorts (gnomAD); In silico analysis supports that this missense variant does not alter protein structure/function; Has not been previously published as pathogenic or benign to our knowledge